The following is an entry in ClinVar:

ClinVar aggregate classification (germline): Pathogenic (1 of 4 stars; one submission).

Submission:

GeneDx
Classification: Pathogenic. Last evaluated: 2025-03-10. Review status: criteria provided, single submitter. Criteria: GeneDx Variant Classification Process June 2021. Collection method: clinical testing. Allele origin: germline. Affected: yes.
Comment: Not observed at significant frequency in large population cohorts (gnomAD); In silico analysis supports that this missense variant has a deleterious effect on protein structure/function; This substitution is predicted to be within the pore forming loop between the S5 and S6 transmembrane segments; This variant is associated with the following publications: (PMID: 29100083)

NM_172107.4(KCNQ2):c.859A>G (p.Thr287Ala)

Gene: KCNQ2 (potassium voltage-gated channel subfamily Q member 2; minus strand). Cytogenetic location: 20q13.33.
Variant type: single nucleotide variant.
Coding change: c.859A>G on transcript NM_172107.4 (MANE Select); coding-DNA position 859, A replaced by G.
Protein change: p.Thr287Ala; replaces threonine 287 with alanine.
Molecular consequence: missense variant.
Genome position (GRCh38, 1-based): chr20:63,439,666, T>C on the plus strand (A>G on the coding strand, the complement: KCNQ2 is on the minus strand). VCF-style: chr20-63439666-T-C. GRCh37 (hg19) VCF-style: chr20-62071019-T-C.
Other names: c.859A>G, p.Thr287Ala (NM_001382235.1, NM_001439003.1, NM_001439004.1 and 4 more transcripts); short protein forms T287A.
Identifiers: ClinVar variation 4083395 (VCV004083395.1).